The following is an entry in ClinVar:

ClinVar aggregate classification (germline): Uncertain significance (1 of 4 stars; one submission).

Conditions:
PCNT-related disorder. Also called: PCNT-related condition.

gnomAD v4.1: 7 of 1,608,384 alleles (0.00044%); highest among the groups gnomAD compares: African/African-American, 0.0027%; no homozygotes.

Submission:

PreventionGenetics, part of Exact Sciences
Classification: Uncertain significance for PCNT-related condition. Last evaluated: 2026-06-19. Review status: criteria provided, single submitter. Criteria: ACMG Guidelines, 2015. Collection method: clinical testing. Allele origin: germline.
Comment: The PCNT c.842G>A variant is predicted to result in the amino acid substitution p.Arg281Gln. To our knowledge, this variant has not been reported in the literature. This variant is reported in 0.064% of alleles in individuals of East Asian descent in gnomAD. Although we suspect that this variant may be benign, at this time, the clinical significance of this variant is uncertain due to the absence of conclusive functional and genetic evidence.

NM_006031.6(PCNT):c.842G>A (p.Arg281Gln)

Gene: PCNT (pericentrin; plus strand). Cytogenetic location: 21q22.3.
Variant type: single nucleotide variant.
Coding change: c.842G>A on transcript NM_006031.6 (MANE Select); coding-DNA position 842, G replaced by A.
Protein change: p.Arg281Gln; replaces arginine 281 with glutamine.
Molecular consequence: missense variant.
Genome position (GRCh38, 1-based): chr21:46,346,864, G>A. VCF-style: chr21-46346864-G-A. GRCh37 (hg19) VCF-style: chr21-47766778-G-A.
Other names: c.488G>A, p.Arg163Gln (NM_001315529.2); short protein forms R163Q, R281Q.
Identifiers: ClinVar variation 3348923 (VCV003348923.2).